The following is an entry in ClinVar:

ClinVar aggregate classification (germline): Uncertain significance (1 of 4 stars; one submission).

Conditions:
Inborn genetic diseases. Identifiers: MedGen C0950123, MeSH D030342.

Submission:

Ambry Genetics
Classification: Uncertain significance for Inborn genetic diseases. Last evaluated: 2026-04-12. Review status: criteria provided, single submitter. Criteria: Ambry Variant Classification Scheme 2023. Collection method: clinical testing. Allele origin: germline.
Comment: The p.T165I variant (also known as c.494C>T), located in coding exon 4 of the FANCG gene, results from a C to T substitution at nucleotide position 494. The threonine at codon 165 is replaced by isoleucine, an amino acid with similar properties. This amino acid position is conserved. In addition, this alteration is predicted to be tolerated by in silico analysis. Based on the available evidence, the clinical significance of this variant remains unclear.

NM_004629.2(FANCG):c.494C>T (p.Thr165Ile)

Gene: FANCG (FA complementation group G; minus strand). Cytogenetic location: 9p13.3.
Variant type: single nucleotide variant.
Coding change: c.494C>T on transcript NM_004629.2 (MANE Select); coding-DNA position 494, C replaced by T.
Protein change: p.Thr165Ile; replaces threonine 165 with isoleucine.
Molecular consequence: missense variant.
Genome position (GRCh38, 1-based): chr9:35,078,157, G>A on the plus strand (C>T on the coding strand, the complement: FANCG is on the minus strand). VCF-style: chr9-35078157-G-A. GRCh37 (hg19) VCF-style: chr9-35078154-G-A.
Other names: short protein forms T165I.
Identifiers: ClinVar variation 4870986 (VCV004870986.1).